The following is an entry in ClinVar:

NM_015466.4(PTPN23):c.4391C>T (p.Pro1464Leu)

Gene: PTPN23 (protein tyrosine phosphatase non-receptor type 23; plus strand). Cytogenetic location: 3p21.31.
Variant type: single nucleotide variant.
Coding change: c.4391C>T on transcript NM_015466.4 (MANE Select); coding-DNA position 4391, C replaced by T.
Protein change: p.Pro1464Leu; replaces proline 1464 with leucine.
Molecular consequence: missense variant.
Genome position (GRCh38, 1-based): chr3:47,412,587, C>T. VCF-style: chr3-47412587-C-T. GRCh37 (hg19) VCF-style: chr3-47454077-C-T.
Other names: c.4013C>T, p.Pro1338Leu (NM_001304482.2); short protein forms P1464L, P1338L.
Identifiers: ClinVar variation 1419845 (VCV001419845.6), dbSNP rs1158918805, ClinGen allele CA352567026.
Genomic context (GRCh38, chr3:47,412,587, plus strand): 5'-TCTGCTATGAGGCAGTGGTGAGACACGTGGAGCAGGTCCTGCAGCGCCATGGTGTGCCTC[C>T]TCCATGCAAACCCTTGGCCAGTGCAAGCATCAGCCAGAAGGTGAGGAAGGTTCCGTGGAA-3'
Protein context (NP_056281.1, residues 1454-1474): EQVLQRHGVP[Pro1464Leu]PCKPLASASI

ClinVar aggregate classification (germline): Uncertain significance (1 of 4 stars; one submission).

Submission:

Labcorp Genetics (formerly Invitae), Labcorp
Classification: Uncertain significance. Last evaluated: 2021-10-09. Review status: criteria provided, single submitter. Criteria: Invitae Variant Classification Sherloc (09022015). Collection method: clinical testing. Allele origin: germline.
Comment: This variant is not present in population databases (ExAC no frequency). In summary, the available evidence is currently insufficient to determine the role of this variant in disease. Therefore, it has been classified as a Variant of Uncertain Significance. Algorithms developed to predict the effect of missense changes on protein structure and function output the following: SIFT: "Tolerated"; PolyPhen-2: "Benign"; Align-GVGD: "Class C0". The leucine amino acid residue is found in multiple mammalian species, which suggests that this missense change does not adversely affect protein function. This variant has not been reported in the literature in individuals affected with PTPN23-related conditions. This sequence change replaces proline with leucine at codon 1464 of the PTPN23 protein (p.Pro1464Leu). The proline residue is weakly conserved and there is a moderate physicochemical difference between proline and leucine.